The following is an entry in ClinVar:

ClinVar aggregate classification (germline): Uncertain significance (1 of 4 stars; one submission).

Allele frequency attached by ClinVar (database versions not stated): gnomAD exomes below 0.00001; TOPMed below 0.00001.

Submission:

Women's Health and Genetics/Laboratory Corporation of America, LabCorp
Classification: Uncertain significance. Last evaluated: 2023-02-01. Review status: criteria provided, single submitter. Criteria: LabCorp Variant Classification Summary - May 2015. Collection method: clinical testing. Allele origin: germline.
Comment: Variant summary: RPS23 c.58C>G (p.Gln20Glu) results in a conservative amino acid change in the encoded protein sequence. Four of five in-silico tools predict a benign effect of the variant on protein function. The variant was absent in 249266 control chromosomes. The available data on variant occurrences in the general population are insufficient to allow any conclusion about variant significance. To our knowledge, no occurrence of c.58C>G in individuals affected with Brachycephaly, Trichomegaly, And Developmental Delay and no experimental evidence demonstrating its impact on protein function have been reported. No submitters have provided clinical-significance assessments for this variant to ClinVar after 2014. Based on the evidence outlined above, the variant was classified as uncertain significance.

NM_001025.5(RPS23):c.58C>G (p.Gln20Glu)

Gene: RPS23 (ribosomal protein S23; minus strand). Cytogenetic location: 5q14.2.
Variant type: single nucleotide variant.
Coding change: c.58C>G on transcript NM_001025.5 (MANE Select); coding-DNA position 58, C replaced by G.
Protein change: p.Gln20Glu; replaces glutamine 20 with glutamic acid.
Molecular consequence: missense variant.
Genome position (GRCh38, 1-based): chr5:82,277,799, G>C on the plus strand (C>G on the coding strand, the complement: RPS23 is on the minus strand). VCF-style: chr5-82277799-G-C. GRCh37 (hg19) VCF-style: chr5-81573618-G-C.
Other names: c.58C>G (NM_001025.4); short protein forms Q20E.
Identifiers: ClinVar variation 2445679 (VCV002445679.1), dbSNP rs11554520, ClinGen allele CA121912165.